The following is an entry in ClinVar:

ClinVar aggregate classification (germline): Likely pathogenic. Review status: criteria provided, multiple submitters, no conflicts (2 of 4 stars). 2 submissions from 2 submitters: Likely pathogenic (2). Last evaluated 2025-03-10.

Conditions:
CFTR-related disorder (CFTR-RD). Also called: CFTR-related disorders; CFTR-related condition. Identifiers: MedGen C5924204, MONDO:7770004.
Cystic fibrosis (CF). Also called: MUCOVISCIDOSIS. Identifiers: Orphanet 586, MedGen C0010674, MONDO:0009061, OMIM 219700. Disease mechanism: loss of function.

Submissions (2):

Natera, Inc.
Classification: Likely pathogenic for CFTR-related disorders. Last evaluated: 2025-03-10. Review status: criteria provided, single submitter. Criteria: Natera Variant Classification Schema (03/2026). Collection method: clinical testing. Allele origin: germline.
Comment: The c.380_382dup variant in CFTR is an in-frame insertion. This variant is rare in the general population with a frequency below the threshold expected for the associated phenotype(s). Functional studies show that this variant may disrupt protein function (PMID: 38388235). This variant results in a change to the protein length while preserving reading frame, which may disrupt normal protein structure or function. Computational prediction algorithms indicate this variant is likely to affect gene or protein function. Given the available evidence, this variant is classified as Likely Pathogenic.

Women's Health and Genetics/Laboratory Corporation of America, LabCorp
Classification: Likely pathogenic for Cystic fibrosis. Last evaluated: 2024-11-29. Review status: criteria provided, single submitter. Criteria: LabCorp Variant Classification Summary - May 2015. Collection method: clinical testing. Allele origin: germline.
Comment: Variant summary: CFTR c.380_382dupTAT (p.Leu127dup) results in an in-frame duplication that is predicted to duplicate one amino acid into the encoded protein. The variant was absent in 250898 control chromosomes. c.380_382dupTAT has been reported in the literature in individuals affected with Cystic Fibrosis, but zygosity was not specified (Schrijver_2016). At least one publication reports experimental evidence evaluating an impact on protein function. The most pronounced variant effect resulted in less than 1% of normal chloride channel conductance relative to wild type (e.g., Bihler_2024). The following publications have been ascertained in the context of this evaluation (PMID: 38388235, 26708955). ClinVar contains an entry for this variant (Variation ID: 35877). Based on the evidence outlined above, the variant was classified as likely pathogenic.

Literature cited by the submitters: PubMed 38388235 (cited by Natera, Inc. and Women's Health and Genetics/Laboratory Corporation of America, LabCorp); PubMed 26708955 (cited by Women's Health and Genetics/Laboratory Corporation of America, LabCorp).

NM_000492.4(CFTR):c.380_382dup (p.Leu127dup)

Gene: CFTR (CF transmembrane conductance regulator; plus strand). Cytogenetic location: 7q31.2.
Variant type: Duplication.
Coding change: c.380_382dup on transcript NM_000492.4 (MANE Select); coding-DNA positions 380 to 382, 3 bases duplicated (TAT; older notation c.380_382dupTAT).
Protein change: p.Leu127dup; duplicates leucine 127.
Molecular consequence: inframe insertion.
Genome position (GRCh38, 1-based): chr7:117,531,005-117,531,007, TAT duplicated; duplicating any 3 consecutive bases within chr7:117,531,004-117,531,007 gives the same sequence; the c. name uses the placement nearest the transcript's 3' end. VCF-style (leftmost placement, unchanged base first): chr7-117531003-C-CTTA. GRCh37 (hg19) VCF-style: chr7-117171057-C-CTTA.
Other names: c.380_382dupTAT (NM_000492.3, NM_000492.4); c.380_382dup (NM_000492.3).
Identifiers: ClinVar variation 35877 (VCV000035877.5), dbSNP rs193922521, ClinGen allele CA260244.